The following is an entry in ClinVar:

ClinVar aggregate classification (germline): Benign/Likely benign. Review status: criteria provided, multiple submitters, no conflicts (2 of 4 stars). 4 submissions from 4 submitters: Benign (1); Likely benign (3). Last evaluated 2025-11-27.

Conditions:
Melanoma, cutaneous malignant, susceptibility to, 5. Also called: Cutaneous malignant melanoma 5. Identifiers: Orphanet 618, MedGen C2751295, MONDO:0013133, OMIM 613099.

Allele frequency attached by ClinVar (database versions not stated): gnomAD exomes 0.00016 and 0.00059; ExAC 0.00052; TOPMed 0.00075; ESP Exome Variant Server 0.00077; 1000 Genomes Project 0.00080; gnomAD 0.00083 and 0.00087; 1000 Genomes Project 30x 0.00094.

Submissions (4):

Labcorp Genetics (formerly Invitae), Labcorp
Classification: Benign for Melanoma, cutaneous malignant, susceptibility to, 5. Last evaluated: 2025-11-27. Review status: criteria provided, single submitter. Criteria: Invitae Variant Classification Sherloc (09022015). Collection method: clinical testing. Allele origin: germline.

Ambry Genetics
Classification: Likely benign. Last evaluated: 2024-10-04. Review status: criteria provided, single submitter. Criteria: Ambry Variant Classification Scheme 2023. Collection method: clinical testing. Allele origin: germline.

Blueprint Genetics
Classification: Likely benign. Last evaluated: 2024-04-12. Review status: criteria provided, single submitter. Criteria: ACMG Guidelines, 2015. Collection method: clinical testing. Allele origin: germline.

Illumina Laboratory Services, Illumina
Classification: Likely benign for Melanoma, cutaneous malignant, susceptibility to, 5. Last evaluated: 2017-04-27. Review status: criteria provided, single submitter. Criteria: ICSL Variant Classification Criteria 13 December 2019. Collection method: clinical testing. Allele origin: germline.
Comment: This variant was observed as part of a predisposition screen in an ostensibly healthy population. A literature search was performed for the gene, cDNA change, and amino acid change (where applicable). Publications were found based on this search. The evidence from the literature, in combination with allele frequency data from public databases where available, was sufficient to determine this variant is unlikely to cause disease. Therefore, this variant is classified as likely benign.

Literature cited by the submitters: PubMed 17434924 (cited by Illumina Laboratory Services, Illumina); PubMed 19269164 (cited by Illumina Laboratory Services, Illumina).

NM_002386.4(MC1R):c.309C>T (p.Ala103=)

Gene: MC1R (melanocortin 1 receptor; plus strand). Cytogenetic location: 16q24.3.
Variant type: single nucleotide variant.
Coding change: c.309C>T on transcript NM_002386.4 (MANE Select); coding-DNA position 309, C replaced by T.
Protein change: p.Ala103=; no amino-acid change (alanine 103 retained).
Molecular consequence: synonymous variant.
Genome position (GRCh38, 1-based): chr16:89,919,567, C>T. VCF-style: chr16-89919567-C-T. GRCh37 (hg19) VCF-style: chr16-89985975-C-T.
Identifiers: ClinVar variation 321424 (VCV000321424.17), dbSNP rs140650544, ClinGen allele CA8255554.